The following is an entry in ClinVar:

NM_138387.4(G6PC3):c.881T>G (p.Leu294Arg)

Gene: G6PC3 (glucose-6-phosphatase catalytic subunit 3; plus strand). Cytogenetic location: 17q21.31.
Variant type: single nucleotide variant.
Coding change: c.881T>G on transcript NM_138387.4 (MANE Select); coding-DNA position 881, T replaced by G.
Protein change: p.Leu294Arg; replaces leucine 294 with arginine.
Molecular consequence: missense variant. On other transcripts: 3 prime UTR variant (1).
Genome position (GRCh38, 1-based): chr17:44,075,883, T>G. VCF-style: chr17-44075883-T-G. GRCh37 (hg19) VCF-style: chr17-42153251-T-G.
Other names: c.*174T>G (NM_001319945.2); c.536T>G, p.Leu179Arg (NM_001384165.1, NM_001384166.1, NM_001384167.1 and 1 more transcripts); short protein forms L294R, L179R.
Identifiers: ClinVar variation 3852374 (VCV003852374.1).
Genomic context (GRCh38, chr17:44,075,883, plus strand): 5'-GTCGGGCACAGCTGGGAAATGGCCAGAAGATAGCCTGCCTTGTGCTGGCCATGGGGCTGC[T>G]GGGCCCCCTGGACTGGCTGGGCCACCCCCCTCAGATCAGCCTCTTCTACATTTTCAATTT-3'
Protein context (NP_612396.1, residues 284-304): IACLVLAMGL[Leu294Arg]GPLDWLGHPP

ClinVar aggregate classification (germline): Uncertain significance (1 of 4 stars; one submission).

Conditions:
Inborn genetic diseases. Identifiers: MedGen C0950123, MeSH D030342.

gnomAD v4.1: 1 of 1,612,718 alleles (0.000062%); highest among the groups gnomAD compares: Non-Finnish European, 0.000085%; no homozygotes.

Submission:

Ambry Genetics
Classification: Uncertain significance for Inborn genetic diseases. Last evaluated: 2025-02-22. Review status: criteria provided, single submitter. Criteria: Ambry Variant Classification Scheme 2023. Collection method: clinical testing. Allele origin: germline.
Comment: The p.L294R variant (also known as c.881T>G), located in coding exon 6 of the G6PC3 gene, results from a T to G substitution at nucleotide position 881. The leucine at codon 294 is replaced by arginine, an amino acid with dissimilar properties. This amino acid position is conserved. In addition, this alteration is predicted to be deleterious by in silico analysis. Based on the available evidence, the clinical significance of this variant remains unclear.